The following is an entry in ClinVar:

ClinVar aggregate classification (germline): Uncertain significance (1 of 4 stars; one submission).

Conditions:
Hereditary cancer-predisposing syndrome. Also called: Hereditary Cancer Syndrome; Hereditary neoplastic syndrome; Tumor predisposition; Neoplastic Syndromes, Hereditary. Identifiers: Orphanet 140162, MedGen C0027672, MeSH D009386, MONDO:0015356.
Cardiovascular phenotype. Identifiers: MedGen CN230736.

Submission:

Ambry Genetics
Classification: Uncertain significance for Cardiovascular phenotype; Hereditary cancer-predisposing syndrome. Last evaluated: 2024-08-22. Review status: criteria provided, single submitter. Criteria: Ambry Variant Classification Scheme 2023. Collection method: clinical testing. Allele origin: germline.
Comment: The p.K604N variant (also known as c.1812G>T), located in coding exon 16 of the LZTR1 gene, results from a G to T substitution at nucleotide position 1812. The lysine at codon 604 is replaced by asparagine, an amino acid with similar properties. This amino acid position is conserved. In addition, this alteration is predicted to be tolerated by in silico analysis. Based on the available evidence, the clinical significance of this variant remains unclear.

NM_006767.4(LZTR1):c.1812G>T (p.Lys604Asn)

Gene: LZTR1 (leucine zipper like post translational regulator 1; plus strand). Cytogenetic location: 22q11.21.
Variant type: single nucleotide variant.
Coding change: c.1812G>T on transcript NM_006767.4 (MANE Select); coding-DNA position 1812, G replaced by T.
Protein change: p.Lys604Asn; replaces lysine 604 with asparagine.
Molecular consequence: missense variant.
Genome position (GRCh38, 1-based): chr22:20,994,896, G>T. VCF-style: chr22-20994896-G-T. GRCh37 (hg19) VCF-style: chr22-21349185-G-T.
Other names: short protein forms K604N.
Identifiers: ClinVar variation 3541610 (VCV003541610.1).
Genomic context (GRCh38, chr22:20,994,896, plus strand): 5'-ACTCTGCCTGCCTGCCTGTGCCTGTCTGCCCCAGGAGCACTGCCTGAACTTCGTGGTAAA[G>T]GAGTCCCACTTCAACCAGGTGATCATGATGAAGGAGTTCGAGCGCCTCTCCTCTCCACTG-3'
Protein context (NP_006758.2, residues 594-614): LKEHCLNFVV[Lys604Asn]ESHFNQVIMM